The following is an entry in ClinVar:

NM_001081.4(CUBN):c.4774_4775del (p.Ser1592fs)

Gene: CUBN (cubilin; minus strand). Cytogenetic location: 10p13.
Variant type: Microsatellite.
Coding change: c.4774_4775del on transcript NM_001081.4 (MANE Select); coding-DNA positions 4774 to 4775, 2 bases deleted (TC; older notation c.4774_4775delTC).
Protein change: p.Ser1592fs; shifts the reading frame from serine 1592.
Molecular consequence: frameshift variant.
Genome position (GRCh38, 1-based): chr10:16,954,469-16,954,470, GA deleted on the plus strand (TC on the coding strand, the reverse complement: CUBN is on the minus strand); deleting any 2 consecutive bases within chr10:16,954,469-16,954,472 gives the same sequence; the c. name uses the placement nearest the transcript's 3' end. VCF-style (leftmost placement, unchanged base first): chr10-16954468-GGA-G. GRCh37 (hg19) VCF-style: chr10-16996467-GGA-G.
Other names: short protein forms S1592fs.
Identifiers: ClinVar variation 3338406 (VCV003338406.1).

ClinVar aggregate classification (germline): Pathogenic (1 of 4 stars; one submission).

Conditions:
Proteinuria, chronic benign. Identifiers: MedGen C5394384, MONDO:0030042, OMIM 618884.

Submission:

MVZ Medizinische Genetik Mainz
Classification: Pathogenic for Proteinuria, chronic benign. Last evaluated: 2024-07-30. Review status: criteria provided, single submitter. Criteria: UK Practice Guidelines For Variant Classification V4 01 2020. Collection method: clinical testing. Allele origin: germline. Inheritance: Autosomal recessive inheritance. Affected: yes. Observed: 1 variant allele.
Comment: ACMG Criteria: PVS1,PM3,PM2_SUP,PP4; Compound Heterozygote